The following is an entry in ClinVar:

NM_178857.6(RP1L1):c.439_440del (p.Ser147_Leu148insTer)

Gene: RP1L1 (RP1 like 1). Cytogenetic location: 8p23.1.
Variant type: Microsatellite.
Coding change: c.439_440del on transcript NM_178857.6 (MANE Select); coding-DNA positions 439 to 440, 2 bases deleted.
Protein change: p.Ser147_Leu148insTer.
Molecular consequence: frameshift variant.
Genome position: GRCh38 VCF-style: chr8-10622761-ACT-A. GRCh37 (hg19) VCF-style: chr8-10480271-ACT-A.
Identifiers: ClinVar variation 2091292 (VCV002091292.4), dbSNP rs2486318356, ClinGen allele CA2580614306.

ClinVar aggregate classification (germline): Uncertain significance (1 of 4 stars; one submission).

Submission:

Labcorp Genetics (formerly Invitae), Labcorp
Classification: Uncertain significance. Last evaluated: 2025-05-27. Review status: criteria provided, single submitter. Criteria: Invitae Variant Classification Sherloc (09022015). Collection method: clinical testing. Allele origin: germline.
Comment: This sequence change creates a premature translational stop signal (p.Leu148*) in the RP1L1 gene. It is expected to result in an absent or disrupted protein product. However, the current clinical and genetic evidence is not sufficient to establish whether loss-of-function variants in RP1L1 cause disease. This variant is not present in population databases (gnomAD no frequency). This variant has not been reported in the literature in individuals affected with RP1L1-related conditions. In summary, the available evidence is currently insufficient to determine the role of this variant in disease. Therefore, it has been classified as a Variant of Uncertain Significance.